The following is an entry in ClinVar:

ClinVar aggregate classification (germline): Uncertain significance. Review status: criteria provided, multiple submitters, no conflicts (2 of 4 stars). 2 submissions from 2 submitters: Uncertain significance (2). Last evaluated 2026-09-03.

Conditions:
LRSAM1-related disorder. Also called: LRSAM1-related condition.
Charcot-Marie-Tooth disease axonal type 2P. Also called: Charcot-Marie-Tooth Neuropathy Type 2G; CHARCOT-MARIE-TOOTH DISEASE, AXONAL, TYPE 2G; CMT 2G; CHARCOT-MARIE-TOOTH NEUROPATHY, TYPE 2P. Identifiers: Orphanet 300319, Orphanet 99941, MedGen C3280797, MONDO:0013753, OMIM 614436.

Allele frequency attached by ClinVar (database versions not stated): gnomAD 0.00002; ExAC 0.00003; gnomAD exomes 0.00003 and 0.00004; TOPMed 0.00005.
gnomAD v4.1: 64 of 1,614,114 alleles (0.004%); highest among the groups gnomAD compares: East Asian, 0.091%; no homozygotes.

Submissions (2):

PreventionGenetics, part of Exact Sciences
Classification: Uncertain significance for LRSAM1-related condition. Last evaluated: 2026-09-03. Review status: criteria provided, single submitter. Criteria: ACMG Guidelines, 2015. Collection method: clinical testing. Allele origin: germline.
Comment: The LRSAM1 c.695G>A variant is predicted to result in the amino acid substitution p.Arg232Gln. To our knowledge, this variant has not been reported in the literature. This variant is reported in 0.030% of alleles in individuals of East Asian descent in gnomAD. At this time, the clinical significance of this variant is uncertain due to the absence of conclusive functional and genetic evidence.

Labcorp Genetics (formerly Invitae), Labcorp
Classification: Uncertain significance for Charcot-Marie-Tooth disease axonal type 2P. Last evaluated: 2023-05-11. Review status: criteria provided, single submitter. Criteria: Invitae Variant Classification Sherloc (09022015). Collection method: clinical testing. Allele origin: germline.
Comment: ClinVar contains an entry for this variant (Variation ID: 582518). In summary, the available evidence is currently insufficient to determine the role of this variant in disease. Therefore, it has been classified as a Variant of Uncertain Significance. Advanced modeling of protein sequence and biophysical properties (such as structural, functional, and spatial information, amino acid conservation, physicochemical variation, residue mobility, and thermodynamic stability) performed at Invitae indicates that this missense variant is not expected to disrupt LRSAM1 protein function. This variant has not been reported in the literature in individuals affected with LRSAM1-related conditions. This variant is present in population databases (rs778692919, gnomAD 0.03%). This sequence change replaces arginine, which is basic and polar, with glutamine, which is neutral and polar, at codon 232 of the LRSAM1 protein (p.Arg232Gln).

NM_001005373.4(LRSAM1):c.695G>A (p.Arg232Gln)

Gene: LRSAM1 (leucine rich repeat and sterile alpha motif containing 1; plus strand). Cytogenetic location: 9q33.3.
Variant type: single nucleotide variant.
Coding change: c.695G>A on transcript NM_001005373.4 (MANE Select); coding-DNA position 695, G replaced by A.
Protein change: p.Arg232Gln; replaces arginine 232 with glutamine.
Molecular consequence: missense variant. On other transcripts: 5 prime UTR variant (1), non-coding transcript variant (2).
Genome position (GRCh38, 1-based): chr9:127,473,876, G>A. VCF-style: chr9-127473876-G-A. GRCh37 (hg19) VCF-style: chr9-130236155-G-A.
Other names: c.695G>A, p.Arg232Gln (NM_001005374.4, NM_001190723.3, NM_001384142.1 and 2 more transcripts); c.-90G>A (NM_001384144.1); short protein forms R232Q.
Identifiers: ClinVar variation 582518 (VCV000582518.9), dbSNP rs778692919, ClinGen allele CA5246651.